The following is an entry in ClinVar:

ClinVar aggregate classification (germline): Pathogenic. Review status: criteria provided, single submitter (1 of 4 stars). 2 submissions from 2 submitters: Pathogenic (1). 1 of the submissions does not count toward it. Last evaluated 2022-07-23.

Conditions:
PKHD1-related disorder. Also called: PKHD1-related condition.
Autosomal recessive polycystic kidney disease (ARPKD). Also called: AR polycystic kidney disease. Identifiers: Orphanet 731, Orphanet 8378, MedGen C0085548, MeSH D017044, MONDO:0009889.

Submissions (2):

Labcorp Genetics (formerly Invitae), Labcorp
Classification: Pathogenic for Autosomal recessive polycystic kidney disease. Last evaluated: 2022-07-23. Review status: criteria provided, single submitter. Criteria: Invitae Variant Classification Sherloc (09022015). Collection method: clinical testing. Allele origin: germline.
Comment: This variant is not present in population databases (gnomAD no frequency). For these reasons, this variant has been classified as Pathogenic. This variant has not been reported in the literature in individuals affected with PKHD1-related conditions. This sequence change creates a premature translational stop signal (p.Trp3260*) in the PKHD1 gene. It is expected to result in an absent or disrupted protein product. Loss-of-function variants in PKHD1 are known to be pathogenic (PMID: 19940839).

PreventionGenetics, part of Exact Sciences
Classification: Likely pathogenic for PKHD1-related condition. Last evaluated: 2024-01-19. Review status: no assertion criteria provided. Collection method: clinical testing. Allele origin: germline. Not counted in ClinVar's aggregate classification.
Comment: The PKHD1 c.9780G>A variant is predicted to result in premature protein termination (p.Trp3260*). This variant, along with a second PKHD1 variant, has been reported in an individual with polycystic kidney disease (Li et al. 2023. PubMed ID: 36835961). This variant has not been reported in a large population database, indicating this variant is rare. Nonsense variants in PKHD1 are expected to be pathogenic. This variant is interpreted as likely pathogenic.

Literature cited by the submitters: PubMed 19940839 (cited by Labcorp Genetics (formerly Invitae), Labcorp).

NM_138694.4(PKHD1):c.9780G>A (p.Trp3260Ter)

Gene: PKHD1 (PKHD1 ciliary IPT domain containing fibrocystin/polyductin; minus strand). Cytogenetic location: 6p12.3.
Variant type: single nucleotide variant.
Coding change: c.9780G>A on transcript NM_138694.4 (MANE Select); coding-DNA position 9780, G replaced by A.
Protein change: p.Trp3260Ter; replaces tryptophan 3260 with a stop codon.
Molecular consequence: nonsense.
Genome position (GRCh38, 1-based): chr6:51,747,836, C>T on the plus strand (G>A on the coding strand, the complement: PKHD1 is on the minus strand). VCF-style: chr6-51747836-C-T. GRCh37 (hg19) VCF-style: chr6-51612634-C-T.
Other names: c.9780G>A, p.Trp3260Ter (NM_170724.3); c.9780G>A (NM_138694.3); short protein forms W3260*.
Identifiers: ClinVar variation 2126152 (VCV002126152.6), dbSNP rs2533802211, ClinGen allele CA364420150.